The following is an entry in ClinVar:

NM_000059.4(BRCA2):c.832A>G (p.Ser278Gly)

Gene: BRCA2 (BRCA2 DNA repair associated; plus strand). Cytogenetic location: 13q13.1.
Variant type: single nucleotide variant.
Coding change: c.832A>G on transcript NM_000059.4 (MANE Select); coding-DNA position 832, A replaced by G.
Protein change: p.Ser278Gly; replaces serine 278 with glycine.
Molecular consequence: missense variant.
Genome position (GRCh38, 1-based): chr13:32,332,310, A>G. VCF-style: chr13-32332310-A-G. GRCh37 (hg19) VCF-style: chr13-32906447-A-G.
Other names: short protein forms S278G.
Identifiers: ClinVar variation 1321433 (VCV001321433.10), dbSNP rs2137465127, ClinGen allele CA387760464.

ClinVar aggregate classification (germline): Conflicting classifications of pathogenicity. Review status: criteria provided, conflicting classifications (1 of 4 stars). 4 submissions from 4 submitters: Uncertain significance (3); Likely benign (1). Last evaluated 2023-04-14.

Conditions:
Hereditary cancer-predisposing syndrome. Also called: Hereditary neoplastic syndrome; Neoplastic Syndromes, Hereditary; Tumor predisposition; Hereditary Cancer Syndrome. Identifiers: Orphanet 140162, MedGen C0027672, MeSH D009386, MONDO:0015356.
Hereditary breast ovarian cancer syndrome. Also called: Hereditary breast and/or ovarian cancer syndrome; Hereditary breast and ovarian cancer syndrome; Hereditary breast and ovarian cancer; Breast and ovarian cancer; Hereditary breast and ovarian cancer syndrome (HBOC); BRCA1- and BRCA2-Associated Hereditary Breast and Ovarian Cancer. Identifiers: Orphanet 145, MedGen C0677776, MeSH D061325, MONDO:0003582. Disease mechanism: loss of function.

Submissions (4):

Ambry Genetics
Classification: Uncertain significance for Hereditary cancer-predisposing syndrome. Last evaluated: 2023-04-14. Review status: criteria provided, single submitter. Criteria: Ambry Variant Classification Scheme 2023. Collection method: clinical testing. Allele origin: germline.
Comment: The p.S278G variant (also known as c.832A>G), located in coding exon 9 of the BRCA2 gene, results from an A to G substitution at nucleotide position 832. The serine at codon 278 is replaced by glycine, an amino acid with similar properties. This amino acid position is not well conserved in available vertebrate species. In addition, this alteration is predicted to be tolerated by in silico analysis. Since supporting evidence is limited at this time, the clinical significance of this alteration remains unclear.

University of Washington Department of Laboratory Medicine, University of Washington
Classification: Likely benign for Hereditary cancer-predisposing syndrome. Last evaluated: 2023-03-23. Review status: criteria provided, single submitter. Criteria: Dines et al. (Genet Med. 2020). Collection method: curation. Allele origin: germline.
Comment: Missense variant in a coldspot region where missense variants are very unlikely to be pathogenic (PMID:31911673).

BRCA2 exon 10 coldspot. Reclassification based on statistical prior probability.

Labcorp Genetics (formerly Invitae), Labcorp
Classification: Uncertain significance for Hereditary breast ovarian cancer syndrome. Last evaluated: 2022-04-22. Review status: criteria provided, single submitter. Criteria: Invitae Variant Classification Sherloc (09022015). Collection method: clinical testing. Allele origin: germline.
Comment: In summary, the available evidence is currently insufficient to determine the role of this variant in disease. Therefore, it has been classified as a Variant of Uncertain Significance. This sequence change replaces serine, which is neutral and polar, with glycine, which is neutral and non-polar, at codon 278 of the BRCA2 protein (p.Ser278Gly). This variant is not present in population databases (gnomAD no frequency). This variant has not been reported in the literature in individuals affected with BRCA2-related conditions. ClinVar contains an entry for this variant (Variation ID: 1321433). Advanced modeling of protein sequence and biophysical properties (such as structural, functional, and spatial information, amino acid conservation, physicochemical variation, residue mobility, and thermodynamic stability) performed at Invitae indicates that this missense variant is not expected to disrupt BRCA2 protein function.

Women's Health and Genetics/Laboratory Corporation of America, LabCorp
Classification: Uncertain significance. Last evaluated: 2021-10-28. Review status: criteria provided, single submitter. Criteria: LabCorp Variant Classification Summary - May 2015. Collection method: clinical testing. Allele origin: germline.
Comment: Variant summary: BRCA2 c.832A>G (p.Ser278Gly) results in a non-conservative amino acid change in the encoded protein sequence. Three of five in-silico tools predict a benign effect of the variant on protein function. The variant was absent in 245138 control chromosomes. The available data on variant occurrences in the general population are insufficient to allow any conclusion about variant significance. To our knowledge, no occurrence of c.832A>G has been recorded in individuals affected with Hereditary Breast And Ovarian Cancer Syndrome, and no experimental evidence demonstrating its impact on protein function have been reported. No clinical diagnostic laboratories have submitted clinical-significance assessments for this variant to ClinVar after 2014. Based on the evidence outlined above, the variant was classified as uncertain significance.